The following is an entry in ClinVar:

NM_002055.5(GFAP):c.1171+139G>A

Gene: GFAP (glial fibrillary acidic protein; minus strand). Cytogenetic location: 17q21.31.
Variant type: single nucleotide variant.
Coding change: c.1171+139G>A on transcript NM_002055.5 (MANE Select); 139 bases into the intron after coding-DNA position 1171, G replaced by A.
Molecular consequence: intron variant. On other transcripts: missense variant (1).
Genome position (GRCh38, 1-based): chr17:44,910,476, C>T on the plus strand (G>A on the coding strand, the complement: GFAP is on the minus strand). VCF-style: chr17-44910476-C-T. GRCh37 (hg19) VCF-style: chr17-42987844-C-T.
Other names: c.1310G>A, p.Arg437His (NM_001242376.3); c.1171+139G>A (NM_001363846.2, NM_001131019.3); short protein forms R437H.
Identifiers: ClinVar variation 2647841 (VCV002647841.24), dbSNP rs1035546777, ClinGen allele CA291027580.
Genomic context (GRCh38, chr17:44,910,476, plus strand): 5'-ACAGGGGCAGCTGCAAGCCCCACCTAGAAGTACCCTGGTATGATAGGCTCTGGCTAGGAG[C>T]GCTGCAGTGTCACGAAGGCCCCCAGGGAGAGCTGGATCCCTTTGCCCTGATCCTCAGTCC-3'

ClinVar aggregate classification (germline): Uncertain significance (1 of 4 stars; one submission).

Allele frequency attached by ClinVar (database versions not stated): gnomAD 0.00001; gnomAD exomes 0.00001.
gnomAD v4.1: 13 of 1,555,654 alleles (0.00084%); highest among the groups gnomAD compares: South Asian, 0.0035%; no homozygotes.

Submission:

CeGaT Center for Human Genetics Tuebingen
Classification: Uncertain significance. Last evaluated: 2023-10-01. Review status: criteria provided, single submitter. Criteria: CeGaT Center For Human Genetics Tuebingen Variant Classification Criteria Version 2. Collection method: clinical testing. Allele origin: germline. Affected: yes. Observed: 1 variant allele.
Comment: GFAP: PM2:Supporting